The following is an entry in ClinVar:

ClinVar aggregate classification (germline): Benign/Likely benign. Review status: criteria provided, multiple submitters, no conflicts (2 of 4 stars). 3 submissions from 3 submitters: Benign (1); Likely benign (2). Last evaluated 2026-02-01.

Conditions:
Autosomal recessive osteopetrosis 1. Also called: TCIRG1-Related Osteopetrosis; TCIRG1-Related Autosomal Recessive Osteopetrosis; ALBERS-SCHONBERG DISEASE, AUTOSOMAL RECESSIVE. Identifiers: Orphanet 667, MedGen C1850127, MONDO:0009815, OMIM 259700.

Allele frequency attached by ClinVar (database versions not stated): gnomAD 0.00161 and 0.00157; TOPMed 0.00164; ESP Exome Variant Server 0.00248; ExAC 0.00363; 1000 Genomes Project 30x 0.00062; 1000 Genomes Project 0.00080; gnomAD exomes 0.00142.
gnomAD v4.1: 3,618 of 1,578,158 alleles (0.23%); highest among the groups gnomAD compares: Non-Finnish European, 0.29%; 6 homozygotes.

Submissions (3):

Labcorp Genetics (formerly Invitae), Labcorp
Classification: Benign. Last evaluated: 2026-02-01. Review status: criteria provided, single submitter. Criteria: Invitae Variant Classification Sherloc (09022015). Collection method: clinical testing. Allele origin: germline.

Blueprint Genetics
Classification: Likely benign. Last evaluated: 2024-11-18. Review status: criteria provided, single submitter. Criteria: ACMG Guidelines, 2015. Collection method: clinical testing. Allele origin: germline.

Illumina Laboratory Services, Illumina
Classification: Likely benign for Autosomal recessive osteopetrosis 1. Last evaluated: 2018-01-13. Review status: criteria provided, single submitter. Criteria: ICSL Variant Classification Criteria 13 December 2019. Collection method: clinical testing. Allele origin: germline.
Comment: This variant was observed in the ICSL laboratory as part of a predisposition screen in an ostensibly healthy population. It had not been previously curated by ICSL or reported in the Human Gene Mutation Database (HGMD: prior to June 1st, 2018), and was therefore a candidate for classification through an automated scoring system. Utilizing variant allele frequency, disease prevalence and penetrance estimates, and inheritance mode, an automated score was calculated to assess if this variant is too frequent to cause the disease. Based on the score and internal cut-off values, a variant classified as likely benign is not then subjected to further curation. The score for this variant resulted in a classification of likely benign for this disease.

NM_006019.4(TCIRG1):c.630+14G>A

Gene: TCIRG1 (T cell immune regulator 1, ATPase H+ transporting V0 subunit a3; plus strand). Cytogenetic location: 11q13.2.
Variant type: single nucleotide variant.
Coding change: c.630+14G>A on transcript NM_006019.4 (MANE Select); 14 bases into the intron after coding-DNA position 630, G replaced by A.
Molecular consequence: intron variant.
Genome position (GRCh38, 1-based): chr11:68,043,511, G>A. VCF-style: chr11-68043511-G-A. GRCh37 (hg19) VCF-style: chr11-67810978-G-A.
Other names: c.-281+14G>A (NM_001351059.2); c.-19+14G>A (NM_006053.4).
Identifiers: ClinVar variation 305789 (VCV000305789.14), dbSNP rs201531306, ClinGen allele CA6146755.
Genomic context (GRCh38, chr11:68,043,511, plus strand): 5'-TTGCCAGCTTCAGGGAGCTGGAGCAGCCGCTGGAGCACCCCGTGACGGTGAGCAGCTGGC[G>A]CTGGGCTGGGGGGTCCTGGGCAGAGCGGGACCCCAGAGTCAGCTGAGCCTGCTCTGCAGG-3'